The following is an entry in ClinVar:

ClinVar aggregate classification (germline): Pathogenic. Review status: reviewed by expert panel (3 of 4 stars). 17 submissions from 17 submitters: Pathogenic (1). 16 of the submissions do not count toward it. Last evaluated 2024-06-06.

Conditions:
Glycogen storage disease due to acid maltase deficiency, late-onset (LOPD). Also called: GAA DEFICIENCY, LATE-ONSET; ACID MALTASE DEFICIENCY, LATE-ONSET; AMD, LATE-ONSET; POMPE DISEASE, LATE-ONSET; GLYCOGEN STORAGE DISEASE II, LATE-ONSET; ACID ALPHA-GLUCOSIDASE DEFICIENCY, LATE-ONSET. Identifiers: Orphanet 420429, MedGen C0342753, MONDO:0018485, OMIM 621314.
GAA-related disorders.
Glycogen storage disease. Also called: glycogen storage disorder; Disorder of glycogen metabolism. Identifiers: Orphanet 79201, MedGen C0017919, MONDO:0002412.
Glycogen storage disease, type II (IOPD). Also called: Glucosidase acid-1,4-alpha deficiency; CARDIOMEGALIA GLYCOGENICA DIFFUSA; Glycogen storage disease type 2; Acid maltase deficiency disease; Aglucosidase alfa; Deficiency of alpha-glucosidase. Identifiers: Orphanet 365, MedGen C0017921, MONDO:0009290, OMIM 232300.

Allele frequency attached by ClinVar (database versions not stated): TOPMed below 0.00001; gnomAD exomes 0.00002; ExAC 0.00006.
gnomAD v4.1: 40 of 1,610,542 alleles (0.0025%); highest among the groups gnomAD compares: Non-Finnish European, 0.0032%; no homozygotes.

Submissions 1 to 5 of 17:

ClinGen Lysosomal Storage Disorder Variant Curation Expert Panel
Classification: Pathogenic for Glycogen storage disease, type II. Last evaluated: 2024-06-06. Review status: reviewed by expert panel. Criteria: clingen_lsd_acmg_specifications_v2-1. Collection method: curation. Allele origin: germline. Inheritance: Autosomal recessive inheritance.
Comment: The NM_000152.5:c.1927G>A variant in GAA is predicted to result in the substitution of glycine by arginine at amino acid 643 (p.Gly643Arg). Numerous individuals have been reported with this variant and specific features of Pompe disease including GAA activity <10% normal in lymphocytes/leukocytes/muscle samples/<30% normal in cultured fibroblasts/ in the affected range in a clinically validated dried blood spot assay; patients with specific features of infantile onset Pompe disease (including cardiac features and hypotonia_, and on enzyme replacement therapy (PMIDs: 8401535, 17723315, 23430912, 23609349 24158270, 25783438, 26349193, 26497565) (PP4_Moderate). The variant has been reported in patients with Pompe disease who are compound heterozygous for the variant and another variant in GAA that has been classified as pathogenic by the ClinGen LD VCEP. In these cases, the second variant includes c.-32-13T>G (ClinVar Variation ID: 4027) (at least 10 cases; maximum 2 x 0.5 points; PMID: 16917947, 18607768, 20308911, 23609349, 24158270, 25396301, 25783438, 27862019, 30155607), c.525delT (ClinVar Variation ID: 4033, SCV001443331.1 (2 cases, 2 x 0.5 points) (PMID: 18429042, 23430912), c.1064T>C (p.Leu355Pro) (ClinVar Variation ID: 284093, SCV001371747.2) (0.5 points, PMID: 18429042), c.236_246del (p.Pro79fsTer) (ClinVar Variation ID: 371302, SCV001443298.1 (0.5 points, PMID: 19588081), and c.2662G>T (p.Glu888Ter) (ClinVar Variation ID: 578595, SCV001371767.1 (0.5 points, PMID: 28394184). First cousins have been reported who are compound heterozygous for the variant (inherited from their heterozygous mothers who are sisters) and another pathogenic variant in GAA variant; c.1655T>C (p.Leu552Pro) (ClinVar Variation ID: 279811, SCV001371750.2) in one individual, and "deletion of exon 18" in the other individual (PMID: 26349193). In each case, the second variant was shown to be inherited from the father. Although the genotypes are different, only one case will be counted from this family, as they are related (1 point, pathogenic variant confirmed in trans). At least 2 cases are homozygous for the variant (max 2 x 0.5 points, PMID: 18429042, 24002816, 26497565, 30023291). Additional cases are compound heterozygous for the variant and either c.2040G>A (PMID: 17723315) or c.2173C>T (p.Arg725Trp) (PMID: 8401535). The in trans data for these patients was used in the classification of the other variant as is not included here to avoid circular logic. Finally, the variant is reported in other cases and publications without sufficient evidence to apply PM3 (PMID:9521422, 17915575, 19862843, 22081099, 29880332) Additional cases may be available in the literature but PM3 is already applied at very strong (>5 points) (PM3_VeryStrong). The highest population minor allele frequency (MAF) in gnomAD v2.1.1 is 0.00003667 (4/109080 alleles) in the European non-Finnish population. In gnomAD v4.1, the MAF is 0.00003224 (40/1178798 alleles) in the European non-Finnish population. Both are lower than the ClinGen LD VCEP threshold (<0.001) for PM2_Supporting, meeting this criterion (PM2_Supporting). The activity of this variant, when expressed in COS cells, has been analyzed in several studies (PMIDs: 8401535, 9521422, 19862843) and varies from <2%-6% with 4MUG and ~3% wild type activity in cells with glycogen. Pulse chase analysis showed that the protein is abnormally processed, with most of the protein remaining as precursor (PMID: 8401535) (PS3_Moderate). The computational predictor REVEL gives a score of 0.976 which is above the threshold of 0.7, evidence that correlates with impact to GAA function (PP3). There is a ClinVar entry for this variant (Variation ID: 4023). In summary, this variant meets the criteria to be classified as Pathogenic for Pompe disease. GAA-specific ACMG/AMP criteria applied, as specified by the ClinGen Lysosomal Diseases VCEP: PM3_VeryStrong, PS3_Moderate, PP4_Moderate, PP3, PM2_Supporting. (Classification approved by the ClinGen Lysosomal Diseases Variant Curation Expert Panel on June 6, 2024)

Genetics Laboratory, Great Ormond Street Hospital NHS Foundation Trust, North Thames Genomic Laboratory Hub
Classification: Pathogenic for Glycogen storage disease. Last evaluated: 2026-07-27. Review status: criteria provided, single submitter. Criteria: ACGS Best Practice Guidelines for Variant Classification in Rare Disease 2024 v1.2. Collection method: clinical testing. Allele origin: germline. Affected: yes. Not counted in ClinVar's aggregate classification.
Comment: PM2_moderate, PP3_supporting, PS3_supporting, PM3_strong, PP4_strong

Genomenon, Inc
Classification: Pathogenic for Glycogen storage disease, type II. Last evaluated: 2026-07-01. Review status: criteria provided, single submitter. Criteria: Genomenon Sequence Variant Interpretation Standards - Updated. Collection method: curation. Allele origin: germline. Affected: yes. Not counted in ClinVar's aggregate classification.
Comment: GAA p.Gly643Arg (c.1927G>A) is a missense variant that changes the amino acid at codon 643 from Glycine to Arginine. This variant has been observed in at least one proband with a GAA-related disorder in the compound heterozygous and/or homozygous state (PMID:40952111;40813881;39835171;39273088;35346323;34734785;34501319;33451932;33301762). At least one functional study has demonstrated a substantial alteration in protein function relative to the wild-type (PMID:33168984;19862843;8401535;9521422). At least one splicing study has demonstrated that this variant results in aberrant splicing (PMID:33168984). It is absent or not present at a significant frequency in gnomAD. In conclusion, we classify GAA p.Gly643Arg (c.1927G>A) as a pathogenic variant.

3billion
Classification: Pathogenic for Glycogen storage disease, type II. Last evaluated: 2026-01-24. Review status: criteria provided, single submitter. Criteria: ACMG Guidelines, 2015. Collection method: clinical testing. Allele origin: germline. Affected: yes. Not counted in ClinVar's aggregate classification.
Comment: The variant is observed at an extremely low frequency in the gnomAD v4.1.0 dataset (total allele frequency: 0.003%). Predicted Consequence/Location: Missense variant Functional studies provide moderate evidence of the variant having a damaging effect on the gene or gene product (PMID: 8401535). In silico tool predictions suggest damaging effect of the variant on gene or gene product [REVEL: 0.98 (>=0.6, sensitivity 0.68 and specificity 0.92); 3Cnet: 0.99 (> 0.75, sensitivity 0.96 and precision 0.92)]. The same nucleotide change resulting in the same amino acid change has been previously reported as pathogenic/likely pathogenic with strong evidence (ClinVar ID: VCV000004023 /PMID: 8401535 /3billion dataset). The variant has been reported to be in trans with a pathogenic variant as either compound heterozygous or homozygous in at least 4 similarly affected unrelated individuals (PMID: 8401535). Different missense changes at the same codon (p.Gly643Ala, p.Gly643Trp) have been reported as pathogenic/likely pathogenic with strong evidence (ClinVar ID: VCV000950119, VCV002865261 /PMID: 38186848, 40225932). Therefore, this variant is classified as Pathogenic according to the recommendation of ACMG/AMP guideline.

Labcorp Genetics (formerly Invitae), Labcorp
Classification: Pathogenic for Glycogen storage disease, type II. Last evaluated: 2026-01-12. Review status: criteria provided, single submitter. Criteria: Invitae Variant Classification Sherloc (09022015). Collection method: clinical testing. Allele origin: germline. Not counted in ClinVar's aggregate classification.
Comment: This sequence change replaces glycine, which is neutral and non-polar, with arginine, which is basic and polar, at codon 643 of the GAA protein (p.Gly643Arg). This variant is present in population databases (rs28937909, gnomAD 0.004%). This missense change has been observed in individual(s) with Pompe disease (PMID: 8401535, 18607768, 24158270). ClinVar contains an entry for this variant (Variation ID: 4023). Invitae Evidence Modeling of protein sequence and biophysical properties (such as structural, functional, and spatial information, amino acid conservation, physicochemical variation, residue mobility, and thermodynamic stability) indicates that this missense variant is expected to disrupt GAA protein function with a positive predictive value of 95%. Experimental studies have shown that this missense change affects GAA function (PMID: 8401535). Algorithms developed to predict the effect of sequence changes on RNA splicing suggest that this variant may create or strengthen a splice site. For these reasons, this variant has been classified as Pathogenic.

NM_000152.5(GAA):c.1927G>A (p.Gly643Arg)

Gene: GAA (alpha glucosidase; plus strand). Cytogenetic location: 17q25.3.
Variant type: single nucleotide variant.
Coding change: c.1927G>A on transcript NM_000152.5 (MANE Select); coding-DNA position 1927, G replaced by A.
Protein change: p.Gly643Arg; replaces glycine 643 with arginine.
Molecular consequence: missense variant.
Genome position (GRCh38, 1-based): chr17:80,112,914, G>A. VCF-style: chr17-80112914-G-A. GRCh37 (hg19) VCF-style: chr17-78086713-G-A.
Other names: c.1927G>A, p.Gly643Arg (LRG_673t1, NM_001079803.3, NM_001079804.3); short protein forms G643R.
Identifiers: ClinVar variation 4023 (VCV000004023.73), dbSNP rs28937909, ClinGen allele CA116596.